The following is an entry in ClinVar:

NM_002109.6(HARS1):c.614G>A (p.Gly205Asp)

Gene: HARS1 (histidyl-tRNA synthetase 1; minus strand). Cytogenetic location: 5q31.3.
Variant type: single nucleotide variant.
Coding change: c.614G>A on transcript NM_002109.6 (MANE Select); coding-DNA position 614, G replaced by A.
Protein change: p.Gly205Asp; replaces glycine 205 with aspartic acid.
Molecular consequence: missense variant.
Genome position (GRCh38, 1-based): chr5:140,677,924, C>T on the plus strand (G>A on the coding strand, the complement: HARS1 is on the minus strand). VCF-style: chr5-140677924-C-T. GRCh37 (hg19) VCF-style: chr5-140057509-C-T.
Other names: c.494G>A, p.Gly165Asp (NM_001258040.3); c.554G>A, p.Gly185Asp (NM_001258041.3); c.434G>A, p.Gly145Asp (NM_001258042.3); c.392G>A, p.Gly131Asp (NM_001289092.2); c.272G>A, p.Gly91Asp (NM_001289093.2); c.527G>A, p.Gly176Asp (NM_001289094.2); short protein forms G205D, G91D, G145D, G165D, G131D, G176D, G185D.
Identifiers: ClinVar variation 226652 (VCV000226652.92), dbSNP rs147288996, ClinGen allele CA3444059.

ClinVar aggregate classification (germline): Benign/Likely benign. Review status: criteria provided, multiple submitters, no conflicts (2 of 4 stars). 8 submissions from 8 submitters: Benign (6); Likely benign (2). Last evaluated 2026-09-04.

Conditions:
HARS1-related disorder. Also called: HARS1-related condition.
Usher syndrome type 3B. Also called: USHER SYNDROME, TYPE IIIB. Identifiers: MedGen C3281066, MONDO:0013788, OMIM 614504.

Allele frequency attached by ClinVar (database versions not stated): 1000 Genomes Project 0.00120; 1000 Genomes Project 30x 0.00125; TOPMed 0.00126; ESP Exome Variant Server 0.00138; gnomAD exomes 0.00218 and 0.00284; ExAC 0.00257; gnomAD 0.00272 and 0.00279.
gnomAD v4.1: 3,586 of 1,607,964 alleles (0.22%); highest among the groups gnomAD compares: Middle Eastern, 1%; 15 homozygotes.

Submissions (8):

PreventionGenetics, part of Exact Sciences
Classification: Benign for HARS1-related condition. Last evaluated: 2026-09-04. Review status: criteria provided, single submitter. Criteria: ACMG Guidelines, 2015. Collection method: clinical testing. Allele origin: germline.
Comment: This variant is classified as benign based on ACMG/AMP sequence variant interpretation guidelines (Richards et al. 2015 PMID: 25741868, with internal and published modifications).

Labcorp Genetics (formerly Invitae), Labcorp
Classification: Benign for Usher syndrome type 3B. Last evaluated: 2026-01-19. Review status: criteria provided, single submitter. Criteria: Invitae Variant Classification Sherloc (09022015). Collection method: clinical testing. Allele origin: germline.

ARUP Laboratories, Molecular Genetics and Genomics, ARUP Laboratories
Classification: Benign. Last evaluated: 2025-07-14. Review status: criteria provided, single submitter. Criteria: ARUP Molecular Germline Variant Investigation Process 2024. Collection method: clinical testing. Allele origin: germline.

Blueprint Genetics
Classification: Likely benign. Last evaluated: 2024-11-21. Review status: criteria provided, single submitter. Criteria: ACMG Guidelines, 2015. Collection method: clinical testing. Allele origin: germline.

CeGaT Center for Human Genetics Tuebingen
Classification: Likely benign. Last evaluated: 2024-02-01. Review status: criteria provided, single submitter. Criteria: CeGaT Center For Human Genetics Tuebingen Variant Classification Criteria Version 2. Collection method: clinical testing. Allele origin: germline. Affected: yes. Observed: 2 variant alleles.
Comment: HARS1: BS2

GeneDx
Classification: Benign. Last evaluated: 2018-09-17. Review status: criteria provided, single submitter. Criteria: GeneDx Variant Classification Process June 2021. Collection method: clinical testing. Allele origin: germline. Affected: yes.
Comment: This variant is associated with the following publications: (PMID: 22930593, 26264438)

Mayo Clinic Laboratories, Mayo Clinic
Classification: Benign. Last evaluated: 2016-04-21. Review status: criteria provided, single submitter. Criteria: ACMG Guidelines, 2015. Collection method: clinical testing. Allele origin: germline. Observed: 8 variant alleles.

Laboratory for Molecular Medicine, Mass General Brigham Personalized Medicine
Classification: Benign. Last evaluated: 2016-03-17. Review status: criteria provided, single submitter. Criteria: LMM Criteria. Collection method: clinical testing. Allele origin: germline. Observed: 1 variant allele.
Comment: p.Gly205Asp in exon 6 of HARS: This variant is not expected to have clinical sig nificance because it has been identified in 1.7% (115/6610) of Finnish chromosom es by the Exome Aggregation Consortium (ExAC; db SNP rs147288996).

Literature cited by the submitters: PubMed 22930593 (cited by Laboratory for Molecular Medicine, Mass General Brigham Personalized Medicine).